The following is an entry in ClinVar:

NM_001277115.2(DNAH11):c.12328C>A (p.Pro4110Thr)

Gene: DNAH11 (dynein axonemal heavy chain 11; plus strand). Cytogenetic location: 7p15.3.
Variant type: single nucleotide variant.
Coding change: c.12328C>A on transcript NM_001277115.2 (MANE Select); coding-DNA position 12328, C replaced by A.
Protein change: p.Pro4110Thr; replaces proline 4110 with threonine.
Molecular consequence: missense variant.
Genome position (GRCh38, 1-based): chr7:21,880,834, C>A. VCF-style: chr7-21880834-C-A. GRCh37 (hg19) VCF-style: chr7-21920452-C-A.
Other names: short protein forms P4110T.
Identifiers: ClinVar variation 454649 (VCV000454649.17), dbSNP rs200821339, ClinGen allele CA4183036.
Genomic context (GRCh38, chr7:21,880,834, plus strand): 5'-TGTGTTGCTGGGAGACTGAGGTTTGGCCCCCAGGGCTGGAGCCGAAGCTATCCTTTTAAT[C>A]CTGGAGACCTCACCATTTGTGCCAGTGTCCTCTACAACTACTTAGAGGCAAACTCTAAAG-3'
Protein context (NP_001264044.1, residues 4100-4120): QGWSRSYPFN[Pro4110Thr]GDLTICASVL

ClinVar aggregate classification (germline): Likely benign. Review status: criteria provided, multiple submitters, no conflicts (2 of 4 stars). 4 submissions from 4 submitters: Likely benign (3). 1 of the submissions does not count toward it. Last evaluated 2025-10-19.

Conditions:
DNAH11-related disorder. Also called: DNAH11-related condition.
Primary ciliary dyskinesia. Also called: Ciliary dyskinesia. Identifiers: Orphanet 244, MedGen C0008780, MONDO:0016575, HP:0012265.

Allele frequency attached by ClinVar (database versions not stated): ExAC 0.00022; 1000 Genomes Project 0.00040; 1000 Genomes Project 30x 0.00047; gnomAD 0.00066 and 0.00072; TOPMed 0.00070; ESP Exome Variant Server 0.00092.
gnomAD v4.1: 177 of 1,613,898 alleles (0.011%); highest among the groups gnomAD compares: African/African-American, 0.22%; 1 homozygote.

Submissions (4):

Labcorp Genetics (formerly Invitae), Labcorp
Classification: Likely benign for Primary ciliary dyskinesia. Last evaluated: 2025-10-19. Review status: criteria provided, single submitter. Criteria: Invitae Variant Classification Sherloc (09022015). Collection method: clinical testing. Allele origin: germline.

Blueprint Genetics
Classification: Likely benign. Last evaluated: 2022-07-14. Review status: criteria provided, single submitter. Criteria: ACMG Guidelines, 2015. Collection method: clinical testing. Allele origin: germline.

Ambry Genetics
Classification: Likely benign for Primary ciliary dyskinesia. Last evaluated: 2019-03-01. Review status: criteria provided, single submitter. Criteria: Ambry Variant Classification Scheme 2023. Collection method: clinical testing. Allele origin: germline.

PreventionGenetics, part of Exact Sciences
Classification: Likely benign for DNAH11-related condition. Last evaluated: 2022-02-24. Review status: no assertion criteria provided. Collection method: clinical testing. Allele origin: germline. Not counted in ClinVar's aggregate classification.
Comment: This variant is classified as likely benign based on ACMG/AMP sequence variant interpretation guidelines (Richards et al. 2015 PMID: 25741868, with internal and published modifications).